The following is an entry in ClinVar:

ClinVar aggregate classification (germline): Pathogenic/Likely pathogenic. Review status: criteria provided, multiple submitters, no conflicts (2 of 4 stars). 3 submissions from 3 submitters: Pathogenic (2); Likely pathogenic (1). Last evaluated 2025-03-06.

Conditions:
Retinitis pigmentosa (RP). Identifiers: Orphanet 791, MedGen C0035334, MeSH D012174, MONDO:0019200, OMIM 268000. Inheritance: Autosomal dominant, autosomal recessive and X linked inheritance.
Retinitis pigmentosa 1 (RP1). Identifiers: Orphanet 791, MedGen C0220701, MONDO:0008377, OMIM 180100.

Submissions (3):

Institute of Medical Genetics and Applied Genomics, University Hospital Tübingen
Classification: Pathogenic for Retinitis pigmentosa 1. Last evaluated: 2025-03-06. Review status: criteria provided, single submitter. Criteria: ACMG Guidelines, 2015. Collection method: clinical testing. Allele origin: germline. Inheritance: Autosomal dominant inheritance. Affected: yes.

Ocular Genomics Institute, Massachusetts Eye and Ear
Classification: Likely pathogenic for Retinitis pigmentosa 1. Last evaluated: 2021-04-08. Review status: criteria provided, single submitter. Criteria: ACMG Guidelines, 2015. Collection method: research. Allele origin: germline. Affected: yes.
Comment: Through a review of available evidence we were able to apply the following criteria: PVS1, PM2. Based on this evidence we have classified this variant as Likely Pathogenic.

Molecular Genetics Laboratory, Institute for Ophthalmic Research
Classification: Pathogenic for Retinitis pigmentosa. Last evaluated: 2020-01-09. Review status: criteria provided, single submitter. Criteria: ACMG Guidelines, 2015. Collection method: research. Allele origin: germline. Affected: yes.

NM_006269.2(RP1):c.2108del (p.Asn703fs)

Gene: RP1 (RP1 axonemal microtubule associated; plus strand). Cytogenetic location: 8q12.1.
Variant type: Deletion.
Coding change: c.2108del on transcript NM_006269.2 (MANE Select); coding-DNA position 2108, one base deleted (A; older notation c.2108delA).
Protein change: p.Asn703fs; shifts the reading frame from asparagine 703.
Molecular consequence: frameshift variant. On other transcripts: intron variant (1).
Genome position (GRCh38, 1-based): chr8:54,625,990, A deleted; the last of 3 consecutive A bases (chr8:54,625,988-54,625,990); deleting any one gives the same sequence. VCF-style (leftmost placement, unchanged base first): chr8-54625987-TA-T. GRCh37 (hg19) VCF-style: chr8-55538547-TA-T.
Other names: c.787+3702del (NM_001375654.1); short protein forms N703fs.
Identifiers: ClinVar variation 813214 (VCV000813214.3), dbSNP rs1806033536, ClinGen allele CA1139660531.